The following is an entry in ClinVar:

NM_020458.4(TTC7A):c.499G>T (p.Glu167Ter)

Gene: TTC7A (tetratricopeptide repeat domain 7A; plus strand). Cytogenetic location: 2p21.
Variant type: single nucleotide variant.
Coding change: c.499G>T on transcript NM_020458.4 (MANE Select); coding-DNA position 499, G replaced by T.
Protein change: p.Glu167Ter; replaces glutamic acid 167 with a stop codon.
Molecular consequence: nonsense. On other transcripts: 5 prime UTR variant (1).
Genome position (GRCh38, 1-based): chr2:46,956,989, G>T. VCF-style: chr2-46956989-G-T. GRCh37 (hg19) VCF-style: chr2-47184128-G-T.
Other names: c.499G>T, p.Glu167Ter (NM_001288951.2); c.397G>T, p.Glu133Ter (NM_001288953.2); c.-406G>T (NM_001288955.2); short protein forms E167*, E133*.
Identifiers: ClinVar variation 2814056 (VCV002814056.3), dbSNP rs2466284122, ClinGen allele CA346718933.
Genomic context (GRCh38, chr2:46,956,989, plus strand): 5'-GCCGGGATTGATGACATGTCCATGGAGAACAAGCCCCTGTATCAGATGCGGCTGCTGTCG[G>T]AGGCTTTTGTCATCAAAGGTAGCTGTGGGCACCAGCCTGGGCTCCCCTCCACTGTGTGCA-3'

ClinVar aggregate classification (germline): Pathogenic (1 of 4 stars; one submission).

Conditions:
Multiple gastrointestinal atresias. Also called: FAMILIAL INTESTINAL POLYATRESIA SYNDROME; Multiple intestinal atresia. Identifiers: Orphanet 2300, MedGen C0220744, MONDO:0009465.

Allele frequency attached by ClinVar (database versions not stated): gnomAD exomes 0.00001.
gnomAD v4.1: 5 of 1,614,180 alleles (0.00031%); highest among the groups gnomAD compares: Non-Finnish European, 0.00042%; no homozygotes.

Submission:

Labcorp Genetics (formerly Invitae), Labcorp
Classification: Pathogenic for Multiple gastrointestinal atresias. Last evaluated: 2022-11-13. Review status: criteria provided, single submitter. Criteria: Invitae Variant Classification Sherloc (09022015). Collection method: clinical testing. Allele origin: germline.
Comment: This sequence change creates a premature translational stop signal (p.Glu167*) in the TTC7A gene. It is expected to result in an absent or disrupted protein product. Loss-of-function variants in TTC7A are known to be pathogenic (PMID: 23830146, 24292712). This variant is not present in population databases (gnomAD no frequency). This variant has not been reported in the literature in individuals affected with TTC7A-related conditions. For these reasons, this variant has been classified as Pathogenic.

Literature cited by the submitters: PubMed 23830146; PubMed 24292712.